The following is an entry in ClinVar:

NM_003200.5(TCF3):c.1129G>A (p.Ala377Thr)

Gene: TCF3 (transcription factor 3; minus strand). Cytogenetic location: 19p13.3.
Variant type: single nucleotide variant.
Coding change: c.1129G>A on transcript NM_003200.5 (MANE Select); coding-DNA position 1129, G replaced by A.
Protein change: p.Ala377Thr; replaces alanine 377 with threonine.
Molecular consequence: missense variant.
Genome position (GRCh38, 1-based): chr19:1,619,818, C>T on the plus strand (G>A on the coding strand, the complement: TCF3 is on the minus strand). VCF-style: chr19-1619818-C-T. GRCh37 (hg19) VCF-style: chr19-1619817-C-T.
Other names: c.1129G>A, p.Ala377Thr (NM_001136139.4, NM_001351778.2, NM_001351779.2); short protein forms A377T.
Identifiers: ClinVar variation 2069049 (VCV002069049.4), dbSNP rs969588245, ClinGen allele CA304102970.

ClinVar aggregate classification (germline): Uncertain significance (1 of 4 stars; one submission).

Allele frequency attached by ClinVar (database versions not stated): gnomAD exomes 0.00001.
gnomAD v4.1: 14 of 1,576,292 alleles (0.00089%); highest among the groups gnomAD compares: Non-Finnish European, 0.0012%; no homozygotes.

Submission:

Labcorp Genetics (formerly Invitae), Labcorp
Classification: Uncertain significance. Last evaluated: 2024-09-06. Review status: criteria provided, single submitter. Criteria: Invitae Variant Classification Sherloc (09022015). Collection method: clinical testing. Allele origin: germline.
Comment: This sequence change replaces alanine, which is neutral and non-polar, with threonine, which is neutral and polar, at codon 377 of the TCF3 protein (p.Ala377Thr). The frequency data for this variant in the population databases is considered unreliable, as metrics indicate poor data quality at this position in the gnomAD database. This variant has not been reported in the literature in individuals affected with TCF3-related conditions. ClinVar contains an entry for this variant (Variation ID: 2069049). Invitae Evidence Modeling of protein sequence and biophysical properties (such as structural, functional, and spatial information, amino acid conservation, physicochemical variation, residue mobility, and thermodynamic stability) indicates that this missense variant is not expected to disrupt TCF3 protein function with a negative predictive value of 80%. In summary, the available evidence is currently insufficient to determine the role of this variant in disease. Therefore, it has been classified as a Variant of Uncertain Significance.